The following is an entry in ClinVar:

NM_001099922.3(ALG13):c.1976+20G>A

Gene: ALG13 (ALG13 UDP-N-acetylglucosaminyltransferase subunit; plus strand). Cytogenetic location: Xq23.
Variant type: single nucleotide variant.
Coding change: c.1976+20G>A on transcript NM_001099922.3 (MANE Select); 20 bases into the intron after coding-DNA position 1976, G replaced by A.
Molecular consequence: intron variant.
Genome position (GRCh38, 1-based): chrX:111,727,075, G>A. VCF-style: chrX-111727075-G-A. GRCh37 (hg19) VCF-style: chrX-110970303-G-A.
Other names: c.1664+20G>A (NM_001257237.2, NM_001257234.2, NM_001257230.2); c.1490+20G>A (NM_001324293.1); c.1742+20G>A (NM_001257231.2); c.1976+20G>A (NM_001324292.2).
Identifiers: ClinVar variation 508312 (VCV000508312.10), dbSNP rs1556507692, ClinGen allele CA658799844.

ClinVar aggregate classification (germline): Likely benign. Review status: criteria provided, multiple submitters, no conflicts (2 of 4 stars). 3 submissions from 3 submitters: Likely benign (3). Last evaluated 2025-07-24.

Conditions:
Developmental and epileptic encephalopathy, 36 (DEE36). Also called: ALG13-CDG; Congenital disorder of glycosylation, type Is; Epileptic encephalopathy, early infantile, 36. Identifiers: Orphanet 324422, MedGen C4317295, MONDO:0010472, OMIM 300884.

Allele frequency attached by ClinVar (database versions not stated): gnomAD exomes below 0.00001.
gnomAD v4.1: 2 of 1,208,744 alleles (0.00017%); highest among the groups gnomAD compares: Non-Finnish European, 0.00022%; no homozygotes.

Submissions (3):

Women's Health and Genetics/Laboratory Corporation of America, LabCorp
Classification: Likely benign. Last evaluated: 2025-07-24. Review status: criteria provided, single submitter. Criteria: LabCorp Variant Classification Summary - May 2015. Collection method: clinical testing. Allele origin: germline.

Labcorp Genetics (formerly Invitae), Labcorp
Classification: Likely benign for Developmental and epileptic encephalopathy, 36. Last evaluated: 2023-12-09. Review status: criteria provided, single submitter. Criteria: Invitae Variant Classification Sherloc (09022015). Collection method: clinical testing. Allele origin: germline.

GeneDx
Classification: Likely benign. Last evaluated: 2017-03-17. Review status: criteria provided, single submitter. Criteria: GeneDx Variant Classification (06012015). Collection method: clinical testing. Allele origin: germline. Affected: yes.
Comment: This variant is considered likely benign or benign based on one or more of the following criteria: it is a conservative change, it occurs at a poorly conserved position in the protein, it is predicted to be benign by multiple in silico algorithms, and/or has population frequency not consistent with disease.